The following is an entry in ClinVar:

NC_000004.11:g.(?_5803667)_(5806578_?)del

Gene: EVC (EvC ciliary complex subunit 1; plus strand). Cytogenetic location: 4p16.2.
Variant type: Deletion.
Identifiers: ClinVar variation 1430455 (VCV001430455.4).

ClinVar aggregate classification (germline): Pathogenic (1 of 4 stars; one submission).

Conditions:
Ellis-van Creveld syndrome (EVC). Also called: Chondroectodermal dysplasia; EVC-Related Ellis-van Creveld Syndrome; EVC2-Related Ellis-van Creveld Syndrome; MESOECTODERMAL DYSPLASIA. Identifiers: Orphanet 289, MedGen C0013903, MONDO:0009162, OMIM 225500.
Curry-Hall syndrome (WAD). Also called: WEYERS ACRODENTAL DYSOSTOSIS. Identifiers: Orphanet 952, MedGen C0457013, MONDO:0008673, OMIM 193530.

Submission:

Labcorp Genetics (formerly Invitae), Labcorp
Classification: Pathogenic for Curry-Hall syndrome; Ellis-van Creveld syndrome. Last evaluated: 2021-09-06. Review status: criteria provided, single submitter. Criteria: Invitae Variant Classification Sherloc (09022015). Collection method: clinical testing. Allele origin: germline.
Comment: This variant is a gross deletion of the genomic region encompassing exon(s) 16-17 of the EVC gene. This deletion is out-of-frame, and is expected to create a premature termination codon and result in an absent or disrupted protein product. Loss-of-function variants in EVC are known to be pathogenic (PMID: 23220543). This variant has not been reported in the literature in individuals affected with EVC-related conditions. For these reasons, this variant has been classified as Pathogenic.

Literature cited by the submitters: PubMed 23220543.